The following is an entry in ClinVar:

NM_014714.4(IFT140):c.3692C>T (p.Thr1231Met)

Gene: IFT140 (intraflagellar transport 140; minus strand). Cytogenetic location: 16p13.3.
Variant type: single nucleotide variant.
Coding change: c.3692C>T on transcript NM_014714.4 (MANE Select); coding-DNA position 3692, C replaced by T.
Protein change: p.Thr1231Met; replaces threonine 1231 with methionine.
Molecular consequence: missense variant.
Genome position (GRCh38, 1-based): chr16:1,520,312, G>A on the plus strand (C>T on the coding strand, the complement: IFT140 is on the minus strand). VCF-style: chr16-1520312-G-A. GRCh37 (hg19) VCF-style: chr16-1570313-G-A.
Other names: short protein forms T1231M.
Identifiers: ClinVar variation 2155055 (VCV002155055.3), dbSNP rs766748367, ClinGen allele CA7813060.

ClinVar aggregate classification (germline): Uncertain significance. Review status: criteria provided, multiple submitters, no conflicts (2 of 4 stars). 2 submissions from 2 submitters: Uncertain significance (2). Last evaluated 2023-10-03.

Conditions:
Saldino-Mainzer syndrome (SRTD9). Also called: SHORT-RIB THORACIC DYSPLASIA 9 WITHOUT POLYDACTYLY; Renal dysplasia, retinal pigmentary dystrophy, cerebellar ataxia and skeletal dysplasia; CONORENAL SYNDROME; short-rib thoracic dysplasia 9 with or without polydactyly. Identifiers: Orphanet 140969, MedGen C1849437, MONDO:0009964, OMIM 266920.

Allele frequency attached by ClinVar (database versions not stated): gnomAD 0.00001; TOPMed 0.00001; ExAC 0.00002.
gnomAD v4.1: 39 of 1,614,082 alleles (0.0024%); highest among the groups gnomAD compares: South Asian, 0.0055%; no homozygotes.

Submissions (2):

Labcorp Genetics (formerly Invitae), Labcorp
Classification: Uncertain significance for Saldino-Mainzer syndrome. Last evaluated: 2023-10-03. Review status: criteria provided, single submitter. Criteria: Invitae Variant Classification Sherloc (09022015). Collection method: clinical testing. Allele origin: germline.
Comment: This sequence change replaces threonine, which is neutral and polar, with methionine, which is neutral and non-polar, at codon 1231 of the IFT140 protein (p.Thr1231Met). This variant is present in population databases (rs766748367, gnomAD 0.02%). This variant has not been reported in the literature in individuals affected with IFT140-related conditions. ClinVar contains an entry for this variant (Variation ID: 2155055). Advanced modeling of protein sequence and biophysical properties (such as structural, functional, and spatial information, amino acid conservation, physicochemical variation, residue mobility, and thermodynamic stability) has been performed at Invitae for this missense variant, however the output from this modeling did not meet the statistical confidence thresholds required to predict the impact of this variant on IFT140 protein function. In summary, the available evidence is currently insufficient to determine the role of this variant in disease. Therefore, it has been classified as a Variant of Uncertain Significance.

Blueprint Genetics
Classification: Uncertain significance. Last evaluated: 2021-02-23. Review status: criteria provided, single submitter. Criteria: ACMG Guidelines, 2015. Collection method: clinical testing. Allele origin: germline.